The following is an entry in ClinVar:

NM_001164508.2(NEB):c.23668dup (p.Ile7890fs)

Genes: NEB (nebulin; minus strand), RIF1 (replication timing regulatory factor 1; plus strand). Cytogenetic location: 2q23.3.
Variant type: Duplication.
Coding change: c.23668dup on transcript NM_001164508.2 (MANE Select); coding-DNA position 23668, one base duplicated (A; older notation c.23668dupA).
Protein change: p.Ile7890fs; shifts the reading frame from isoleucine 7890.
Molecular consequence: frameshift variant.
Genome position (GRCh38, 1-based): chr2:151,505,552, T duplicated on the plus strand (A on the coding strand, the reverse complement: NEB is on the minus strand); the first of 2 consecutive T bases (chr2:151,505,552-151,505,553); duplicating either gives the same sequence. VCF-style (leftmost placement, unchanged base first): chr2-151505551-A-AT. GRCh37 (hg19) VCF-style: chr2-152362065-A-AT.
Other names: c.23668dup, p.Ile7890fs (NM_001164507.2); c.23773dup, p.Ile7925fs (NM_001271208.2); c.18565dup, p.Ile6189fs (NM_004543.5); short protein forms I6189fs, I7890fs, I7925fs.
Identifiers: ClinVar variation 3656864 (VCV003656864.2).

ClinVar aggregate classification (germline): Pathogenic (1 of 4 stars; one submission).

Conditions:
Nemaline myopathy 2 (NEM2). Also called: Nemaline myopathy 2, autosomal recessive. Identifiers: MedGen C1850569, MONDO:0009725, OMIM 256030.

Submission:

Labcorp Genetics (formerly Invitae), Labcorp
Classification: Pathogenic for Nemaline myopathy 2. Last evaluated: 2024-06-17. Review status: criteria provided, single submitter. Criteria: Invitae Variant Classification Sherloc (09022015). Collection method: clinical testing. Allele origin: germline.
Comment: This sequence change creates a premature translational stop signal (p.Ile7925Asnfs*9) in the NEB gene. It is expected to result in an absent or disrupted protein product. Loss-of-function variants in NEB are known to be pathogenic (PMID: 25205138). This variant is not present in population databases (gnomAD no frequency). This variant has not been reported in the literature in individuals affected with NEB-related conditions. For these reasons, this variant has been classified as Pathogenic.

Literature cited by the submitters: PubMed 25205138.